The following is an entry in ClinVar:

ClinVar aggregate classification (germline): Uncertain significance (1 of 4 stars; one submission).

Submission:

Labcorp Genetics (formerly Invitae), Labcorp
Classification: Uncertain significance. Last evaluated: 2025-11-12. Review status: criteria provided, single submitter. Criteria: Invitae Variant Classification Sherloc (09022015). Collection method: clinical testing. Allele origin: germline.
Comment: This sequence change replaces serine, which is neutral and polar, with asparagine, which is neutral and polar, at codon 97 of the RPL15 protein (p.Ser97Asn). This variant is not present in population databases (gnomAD no frequency). This variant has not been reported in the literature in individuals affected with RPL15-related conditions. An algorithm developed to predict the effect of missense changes on protein structure and function (PolyPhen-2) suggests that this variant is likely to be tolerated. In summary, the available evidence is currently insufficient to determine the role of this variant in disease. Therefore, it has been classified as a Variant of Uncertain Significance.

NM_002948.5(RPL15):c.290G>A (p.Ser97Asn)

Genes: NKIRAS1 (NFKB inhibitor interacting Ras like 1; minus strand), RPL15 (ribosomal protein L15; plus strand). Cytogenetic location: 3p24.2.
Variant type: single nucleotide variant.
Coding change: c.290G>A on transcript NM_002948.5 (MANE Select); coding-DNA position 290, G replaced by A.
Protein change: p.Ser97Asn; replaces serine 97 with asparagine.
Molecular consequence: missense variant. On other transcripts: intron variant (1).
Genome position (GRCh38, 1-based): chr3:23,918,557, G>A. VCF-style: chr3-23918557-G-A. GRCh37 (hg19) VCF-style: chr3-23960048-G-A.
Other names: c.-139-7107C>T (NM_001377380.1); c.290G>A, p.Ser97Asn (NM_001253383.3, NM_001253384.2, NM_001253379.2 and 2 more transcripts); short protein forms S97N.
Identifiers: ClinVar variation 4706039 (VCV004706039.1).
Genomic context (GRCh38, chr3:23,918,557, plus strand): 5'-AGGGTGCAACTTACGGCAAGCCTGTCCATCATGGTGTTAACCAGCTAAAGTTTGCTCGAA[G>A]CCTTCAGTCCGTTGCAGAGGTAAATGGTTTTGAGTAGCAGTTATATTGAATACTGCCTGG-3'
Protein context (NP_002939.2, residues 87-107): HGVNQLKFAR[Ser97Asn]LQSVAEERAG